The following is an entry in ClinVar:

ClinVar aggregate classification (germline): Conflicting classifications of pathogenicity. Review status: criteria provided, conflicting classifications (1 of 4 stars). 6 submissions from 6 submitters: Uncertain significance (4); Likely benign (1). 1 of the submissions does not count toward it. Last evaluated 2025-06-05.

Conditions:
Muscular dystrophy. Identifiers: Orphanet 98473, MedGen C0026850, MeSH D009136, MONDO:0020121, HP:0003560.
LAMA2-related muscular dystrophy (LAMA2-RD). Also called: Laminin alpha 2-related dystrophy. Identifiers: MedGen C5679788, MONDO:0100228.

Allele frequency attached by ClinVar (database versions not stated): TOPMed 0.00004.
gnomAD v4.1: 91 of 1,613,074 alleles (0.0056%); highest among the groups gnomAD compares: Middle Eastern, 0.033%; no homozygotes.

Submissions (6):

Labcorp Genetics (formerly Invitae), Labcorp
Classification: Likely benign for LAMA2-related muscular dystrophy. Last evaluated: 2025-06-05. Review status: criteria provided, single submitter. Criteria: Invitae Variant Classification Sherloc (09022015). Collection method: clinical testing. Allele origin: germline.

Revvity Omics, Revvity
Classification: Uncertain significance. Last evaluated: 2024-03-11. Review status: criteria provided, single submitter. Criteria: ACMG Guidelines, 2015. Collection method: clinical testing. Allele origin: germline.

Mayo Clinic Laboratories, Mayo Clinic
Classification: Uncertain significance. Last evaluated: 2023-08-29. Review status: criteria provided, single submitter. Criteria: ACMG Guidelines, 2015. Collection method: clinical testing. Allele origin: germline. Observed: 1 variant allele.
Comment: BP4

Eurofins Ntd Llc (ga)
Classification: Uncertain significance. Last evaluated: 2017-10-06. Review status: criteria provided, single submitter. Criteria: EGL Classification Definitions 2015. Collection method: clinical testing. Allele origin: germline. Observed: 1 variant allele, 1 heterozygote.

GeneDx
Classification: Uncertain significance. Last evaluated: 2017-03-31. Review status: criteria provided, single submitter. Criteria: GeneDx Variant Classification (06012015). Collection method: clinical testing. Allele origin: germline. Affected: yes.
Comment: A variant of uncertain significance has been identified in the LAMA2 gene. The T2973M variant has not been published as a pathogenic variant, nor has it been reported as a benign variant to our knowledge. The T2973M variant is observed in 10/66,710 (0.01%) alleles from individuals of European background, in the ExAC dataset (Lek et al., 2016; 1000 Genomes Consortium et al., 2015; Exome Variant Server). The T2973M variant is a non-conservative amino acid substitution, which is likely to impact secondary protein structure as these residues differ in polarity, charge, size and/or other properties. However, this substitution occurs at a position that is not conserved. In silico analysis is inconsistent in its predictions as to whether or not the variant is damaging to the protein structure/function. Therefore, based on the currently available information, it is unclear whether this variant is a pathogenic variant or a rare benign variant.

Department of Pathology and Laboratory Medicine, Sinai Health System
Classification: Uncertain significance for Muscular dystrophy. Review status: no assertion criteria provided. Collection method: clinical testing. Allele origin: unknown. Affected: yes. Study: The Canadian Open Genetics Repository (COGR). Not counted in ClinVar's aggregate classification.
Comment: This sequence change replaces threonine with methionine at codon 2973 of the LAMA2 protein (p.Thr2973Met). The threonine residue is weakly conserved and there is a moderate physicochemical difference between threonine and methionine. This variant is present in population databases (rs145842163, ExAC 0.01%). This variant has not been reported in the literature in individuals with LAMA2-related disease. ClinVar contains an entry for this variant (Variation ID: 424576). Algorithms developed to predict the effect of missense changes on protein structure and function (SIFT, PolyPhen-2, Align-GVGD) all suggest that this variant is likely to be tolerated, but these predictions have not been confirmed by published functional studies and their clinical significance is uncertain. In summary, the available evidence is currently insufficient to determine the role of this variant in disease. Therefore, it has been classified as a Variant of Uncertain Significance. (From ClinVar Invitae)

NM_000426.4(LAMA2):c.8918C>T (p.Thr2973Met)

Gene: LAMA2 (laminin subunit alpha 2; plus strand). Cytogenetic location: 6q22.33.
Variant type: single nucleotide variant.
Coding change: c.8918C>T on transcript NM_000426.4 (MANE Select); coding-DNA position 8918, C replaced by T.
Protein change: p.Thr2973Met; replaces threonine 2973 with methionine.
Molecular consequence: missense variant.
Genome position (GRCh38, 1-based): chr6:129,512,423, C>T. VCF-style: chr6-129512423-C-T. GRCh37 (hg19) VCF-style: chr6-129833568-C-T.
Other names: p.Thr2973Met; c.8906C>T, p.Thr2969Met (NM_001079823.2); short protein forms T2973M, T2969M.
Identifiers: ClinVar variation 424576 (VCV000424576.19), dbSNP rs145842163, ClinGen allele CA3994969.